The following is an entry in ClinVar:

NM_001162501.2(TNRC6B):c.4560A>G (p.Gln1520=)

Gene: TNRC6B (trinucleotide repeat containing adaptor 6B; plus strand). Cytogenetic location: 22q13.1.
Variant type: single nucleotide variant.
Coding change: c.4560A>G on transcript NM_001162501.2 (MANE Select); coding-DNA position 4560, A replaced by G.
Protein change: p.Gln1520=; no amino-acid change (glutamine 1520 retained).
Molecular consequence: synonymous variant.
Genome position (GRCh38, 1-based): chr22:40,312,629, A>G. VCF-style: chr22-40312629-A-G. GRCh37 (hg19) VCF-style: chr22-40708633-A-G.
Other names: c.2148A>G, p.Gln716= (NM_001024843.2); c.4230A>G, p.Gln1410= (NM_015088.3).
Identifiers: ClinVar variation 3034189 (VCV003034189.2), dbSNP rs374873561, ClinGen allele CA10247323.

ClinVar aggregate classification (germline): Likely benign (0 of 4 stars; one submission).

Conditions:
TNRC6B-related disorder. Also called: TNRC6B-related condition.

Allele frequency attached by ClinVar (database versions not stated): gnomAD exomes 0.00001; TOPMed 0.00002; gnomAD 0.00003; ExAC 0.00006; ESP Exome Variant Server 0.00008; 1000 Genomes Project 30x 0.00016; 1000 Genomes Project 0.00020.
gnomAD v4.1: 23 of 1,612,720 alleles (0.0014%); highest among the groups gnomAD compares: South Asian, 0.0099%; no homozygotes.

Submission:

PreventionGenetics, part of Exact Sciences
Classification: Likely benign for TNRC6B-related condition. Last evaluated: 2019-06-13. Review status: no assertion criteria provided. Collection method: clinical testing. Allele origin: germline.
Comment: This variant is classified as likely benign based on ACMG/AMP sequence variant interpretation guidelines (Richards et al. 2015 PMID: 25741868, with internal and published modifications).